The following is an entry in ClinVar:

ClinVar aggregate classification (germline): Pathogenic. Review status: criteria provided, multiple submitters, no conflicts (2 of 4 stars). 2 submissions from 2 submitters: Pathogenic (2). Last evaluated 2025-09-24.

Conditions:
Cardiovascular phenotype. Identifiers: MedGen CN230736.
Hereditary cancer-predisposing syndrome. Also called: Hereditary neoplastic syndrome; Hereditary Cancer Syndrome; Neoplastic Syndromes, Hereditary; Tumor predisposition. Identifiers: Orphanet 140162, MedGen C0027672, MeSH D009386, MONDO:0015356.
Neurofibromatosis, type 1 (NF1). Also called: Neurofibromatosis, type I; Peripheral type neurofibromatosis; VON RECKLINGHAUSEN DISEASE; NEUROFIBROMATOSIS, TYPE I, SOMATIC. Identifiers: Orphanet 636, MedGen C0027831, MONDO:0018975, OMIM 162200. Disease mechanism: loss of function.

Submissions (2):

Ambry Genetics
Classification: Pathogenic for Cardiovascular phenotype; Hereditary cancer-predisposing syndrome. Last evaluated: 2025-09-24. Review status: criteria provided, single submitter. Criteria: Ambry Variant Classification Scheme 2023. Collection method: clinical testing. Allele origin: germline.
Comment: The c.6791_6792insAA pathogenic mutation, located in coding exon 45 of the NF1 gene, results from an insertion of two nucleotides at position 6791, causing a translational frameshift with a predicted alternate stop codon (p.Y2264*). This variant was reported in individual(s) with features consistent with neurofibromatosis type 1 (Sabbagh A et al. Hum Mutat, 2013 Nov;34:1510-8; Pasmant E et al. Eur J Hum Genet, 2015 May;23:596-601; Giugliano T et al. Genes (Basel), 2019 Jul;10). This variant is considered to be rare based on population cohorts in the Genome Aggregation Database (gnomAD). This alteration is expected to result in loss of function by premature protein truncation or nonsense-mediated mRNA decay. As such, this alteration is interpreted as a disease-causing mutation.

Labcorp Genetics (formerly Invitae), Labcorp
Classification: Pathogenic for Neurofibromatosis, type 1. Last evaluated: 2023-09-29. Review status: criteria provided, single submitter. Criteria: Invitae Variant Classification Sherloc (09022015). Collection method: clinical testing. Allele origin: germline.
Comment: This sequence change creates a premature translational stop signal (p.Tyr2264*) in the NF1 gene. It is expected to result in an absent or disrupted protein product. Loss-of-function variants in NF1 are known to be pathogenic (PMID: 10712197, 23913538). For these reasons, this variant has been classified as Pathogenic. This premature translational stop signal has been observed in individual(s) with neurofibromatosis type 1 (PMID: 23913538, 31370276). This variant is not present in population databases (gnomAD no frequency).

Literature cited by the submitters: PubMed 23913538 (cited by Ambry Genetics and Labcorp Genetics (formerly Invitae), Labcorp); PubMed 25074460 (cited by Ambry Genetics); PubMed 31370276 (cited by Ambry Genetics and Labcorp Genetics (formerly Invitae), Labcorp); PubMed 10712197 (cited by Labcorp Genetics (formerly Invitae), Labcorp).

NM_001042492.3(NF1):c.6854_6855insAA (p.Tyr2285Ter)

Gene: NF1 (neurofibromin 1; plus strand). Cytogenetic location: 17q11.2.
Variant type: Insertion.
Coding change: c.6854_6855insAA on transcript NM_001042492.3 (MANE Select); coding-DNA positions 6854 to 6855, AA inserted.
Protein change: p.Tyr2285Ter; replaces tyrosine 2285 with a stop codon.
Molecular consequence: nonsense. On other transcripts: frameshift variant (1).
Genome position: GRCh38 VCF-style: chr17-31338737-T-TAA. GRCh37 (hg19) VCF-style: chr17-29665755-T-TAA.
Other names: c.6791_6792insAA, p.Tyr2264Terfs (NM_000267.4); short protein forms Y2264*, Y2285*.
Identifiers: ClinVar variation 2736574 (VCV002736574.4), dbSNP rs876657715, ClinGen allele CA658760996.